The following is an entry in ClinVar:

ClinVar aggregate classification (germline): Likely benign (0 of 4 stars; one submission).

Conditions:
KRT13-related disorder. Also called: KRT13-related condition.

Allele frequency attached by ClinVar (database versions not stated): gnomAD exomes 0.00001; ExAC 0.00004; gnomAD 0.00010; TOPMed 0.00012; ESP Exome Variant Server 0.00031.

Submission:

PreventionGenetics, part of Exact Sciences
Classification: Likely benign for KRT13-related condition. Last evaluated: 2019-04-10. Review status: no assertion criteria provided. Collection method: clinical testing. Allele origin: germline.
Comment: This variant is classified as likely benign based on ACMG/AMP sequence variant interpretation guidelines (Richards et al. 2015 PMID: 25741868, with internal and published modifications).

NM_153490.3(KRT13):c.1356T>G (p.Thr452=)

Gene: KRT13 (keratin 13; minus strand). Cytogenetic location: 17q21.2.
Variant type: single nucleotide variant.
Coding change: c.1356T>G on transcript NM_153490.3 (MANE Select); coding-DNA position 1356, T replaced by G.
Protein change: p.Thr452=; no amino-acid change (threonine 452 retained).
Molecular consequence: synonymous variant. On other transcripts: 3 prime UTR variant (1).
Genome position (GRCh38, 1-based): chr17:41,501,277, A>C on the plus strand (T>G on the coding strand, the complement: KRT13 is on the minus strand). VCF-style: chr17-41501277-A-C. GRCh37 (hg19) VCF-style: chr17-39657529-A-C.
Other names: c.*67T>G (NM_002274.4).
Identifiers: ClinVar variation 3046593 (VCV003046593.2), dbSNP rs373159660, ClinGen allele CA8560405.